The following is an entry in ClinVar:

ClinVar aggregate classification (germline): Uncertain significance. Review status: criteria provided, multiple submitters, no conflicts (2 of 4 stars). 2 submissions from 2 submitters: Uncertain significance (2). Last evaluated 2025-10-01.

Conditions:
Nephronophthisis 16 (NPHP16). Identifiers: Orphanet 655, MedGen C3809320, MONDO:0014158, OMIM 615382.

Allele frequency attached by ClinVar (database versions not stated): gnomAD exomes 0.00001.
gnomAD v4.1: 19 of 1,609,442 alleles (0.0012%); highest among the groups gnomAD compares: Admixed American, 0.0033%; no homozygotes.

Submissions (2):

Labcorp Genetics (formerly Invitae), Labcorp
Classification: Uncertain significance for Nephronophthisis 16. Last evaluated: 2025-10-01. Review status: criteria provided, single submitter. Criteria: Invitae Variant Classification Sherloc (09022015). Collection method: clinical testing. Allele origin: germline.
Comment: This sequence change replaces alanine, which is neutral and non-polar, with valine, which is neutral and non-polar, at codon 871 of the ANKS6 protein (p.Ala871Val). This variant is present in population databases (no rsID available, gnomAD 0.007%). This variant has not been reported in the literature in individuals affected with ANKS6-related conditions. ClinVar contains an entry for this variant (Variation ID: 1393759). An algorithm developed to predict the effect of missense changes on protein structure and function (PolyPhen-2) suggests that this variant is likely to be tolerated. In summary, the available evidence is currently insufficient to determine the role of this variant in disease. Therefore, it has been classified as a Variant of Uncertain Significance.

Fulgent Genetics
Classification: Uncertain significance for Nephronophthisis 16. Last evaluated: 2024-04-08. Review status: criteria provided, single submitter. Criteria: ACMG Guidelines, 2015. Collection method: clinical testing. Allele origin: germline.

NM_173551.5(ANKS6):c.2612C>T (p.Ala871Val)

Gene: ANKS6 (ankyrin repeat and sterile alpha motif domain containing 6; minus strand). Cytogenetic location: 9q22.33.
Variant type: single nucleotide variant.
Coding change: c.2612C>T on transcript NM_173551.5 (MANE Select); coding-DNA position 2612, C replaced by T.
Protein change: p.Ala871Val; replaces alanine 871 with valine.
Molecular consequence: missense variant.
Genome position (GRCh38, 1-based): chr9:98,736,523, G>A on the plus strand (C>T on the coding strand, the complement: ANKS6 is on the minus strand). VCF-style: chr9-98736523-G-A. GRCh37 (hg19) VCF-style: chr9-101498805-G-A.
Other names: short protein forms A871V.
Identifiers: ClinVar variation 1393759 (VCV001393759.9), dbSNP rs1047225292, ClinGen allele CA196813252.